The following is an entry in ClinVar:

NM_000428.3(LTBP2):c.2502_2503inv (p.Asp835Asn)

Gene: LTBP2 (latent transforming growth factor beta binding protein 2; minus strand). Cytogenetic location: 14q24.3.
Variant type: Inversion.
Coding change: c.2502_2503inv on transcript NM_000428.3 (MANE Select).
Protein change: p.Asp835Asn; replaces aspartic acid 835 with asparagine.
Molecular consequence: missense variant.
Genome position: GRCh38 VCF-style: chr14-74525151-CA-TG. GRCh37 (hg19) VCF-style: chr14-74991854-CA-TG.
Other names: short protein forms D835N.
Identifiers: ClinVar variation 1915956 (VCV001915956.4), ClinGen allele CA2580088725.

ClinVar aggregate classification (germline): Uncertain significance (1 of 4 stars; one submission).

Submission:

Labcorp Genetics (formerly Invitae), Labcorp
Classification: Uncertain significance. Last evaluated: 2024-11-27. Review status: criteria provided, single submitter. Criteria: Invitae Variant Classification Sherloc (09022015). Collection method: clinical testing. Allele origin: germline.
Comment: This sequence change replaces aspartic acid, which is acidic and polar, with asparagine, which is neutral and polar, at codon 835 of the LTBP2 protein (p.Asp835Asn). This variant is not present in population databases (gnomAD no frequency). This variant has not been reported in the literature in individuals affected with LTBP2-related conditions. ClinVar contains an entry for this variant (Variation ID: 2364053). Experimental studies and prediction algorithms are not available or were not evaluated, and the functional significance of this variant is currently unknown. In summary, the available evidence is currently insufficient to determine the role of this variant in disease. Therefore, it has been classified as a Variant of Uncertain Significance.